The following is an entry in ClinVar:

ClinVar aggregate classification (germline): Uncertain significance. Review status: criteria provided, multiple submitters, no conflicts (2 of 4 stars). 2 submissions from 2 submitters: Uncertain significance (2). Last evaluated 2023-12-16.

Conditions:
Colorectal cancer, susceptibility to, 12 (CRCS12). Also called: COLORECTAL CANCER, SUSCEPTIBILITY TO, ON CHROMOSOME 12q24. Identifiers: Orphanet 220460, MedGen C3554460, MONDO:0014038, OMIM 615083.

Submissions (2):

Baylor Genetics
Classification: Uncertain significance for Colorectal cancer, susceptibility to, 12. Last evaluated: 2023-12-16. Review status: criteria provided, single submitter. Criteria: ACMG Guidelines, 2015. Collection method: clinical testing. Allele origin: unknown.

Labcorp Genetics (formerly Invitae), Labcorp
Classification: Uncertain significance. Last evaluated: 2022-05-12. Review status: criteria provided, single submitter. Criteria: Invitae Variant Classification Sherloc (09022015). Collection method: clinical testing. Allele origin: germline.
Comment: In summary, the available evidence is currently insufficient to determine the role of this variant in disease. Therefore, it has been classified as a Variant of Uncertain Significance. Algorithms developed to predict the effect of missense changes on protein structure and function (SIFT, PolyPhen-2, Align-GVGD) all suggest that this variant is likely to be disruptive. This variant has not been reported in the literature in individuals affected with POLE-related conditions. This variant is not present in population databases (gnomAD no frequency). This sequence change replaces isoleucine, which is neutral and non-polar, with threonine, which is neutral and polar, at codon 293 of the POLE protein (p.Ile293Thr).

NM_006231.4(POLE):c.878T>C (p.Ile293Thr)

Gene: POLE (DNA polymerase epsilon, catalytic subunit; minus strand). Cytogenetic location: 12q24.33.
Variant type: single nucleotide variant.
Coding change: c.878T>C on transcript NM_006231.4 (MANE Select); coding-DNA position 878, T replaced by C.
Protein change: p.Ile293Thr; replaces isoleucine 293 with threonine.
Molecular consequence: missense variant.
Genome position (GRCh38, 1-based): chr12:132,676,577, A>G on the plus strand (T>C on the coding strand, the complement: POLE is on the minus strand). VCF-style: chr12-132676577-A-G. GRCh37 (hg19) VCF-style: chr12-133253163-A-G.
Other names: short protein forms I293T.
Identifiers: ClinVar variation 1390111 (VCV001390111.9), dbSNP rs2136015678, ClinGen allele CA387364229.